The following is an entry in ClinVar:

ClinVar aggregate classification (germline): Likely pathogenic (1 of 4 stars; one submission).

Conditions:
Congenital short bowel syndrome, autosomal recessive. Identifiers: MedGen CN296805, MONDO:0020718, OMIM 615237.

Submission:

Laboratorio de Genetica e Diagnostico Molecular, Hospital Israelita Albert Einstein
Classification: Likely pathogenic for Congenital short bowel syndrome, autosomal recessive. Last evaluated: 2022-09-17. Review status: criteria provided, single submitter. Criteria: ACMG Guidelines, 2015. Collection method: clinical testing. Allele origin: germline. Affected: yes. Observed: 1 variant allele.
Comment: ACMG classification criteria: PVS1 very strong, PM2 moderated

NM_024769.5(CLMP):c.28+1G>A

Gene: CLMP (CXADR like cell adhesion molecule; minus strand). Cytogenetic location: 11q24.1.
Variant type: single nucleotide variant.
Coding change: c.28+1G>A on transcript NM_024769.5 (MANE Select); the canonical splice donor site of the intron after coding-DNA position 28, G replaced by A.
Molecular consequence: splice donor variant.
Genome position (GRCh38, 1-based): chr11:123,194,912, C>T on the plus strand (G>A on the coding strand, the complement: CLMP is on the minus strand). VCF-style: chr11-123194912-C-T. GRCh37 (hg19) VCF-style: chr11-123065620-C-T.
Identifiers: ClinVar variation 2431641 (VCV002431641.1), dbSNP rs749804569, ClinGen allele CA383289360.